The following is an entry in ClinVar:

NM_000318.3(PEX2):c.466A>G (p.Ile156Val)

Gene: PEX2 (peroxisomal biogenesis factor 2; minus strand). Cytogenetic location: 8q21.13.
Variant type: single nucleotide variant.
Coding change: c.466A>G on transcript NM_000318.3 (MANE Select); coding-DNA position 466, A replaced by G.
Protein change: p.Ile156Val; replaces isoleucine 156 with valine.
Molecular consequence: missense variant.
Genome position (GRCh38, 1-based): chr8:76,983,713, T>C on the plus strand (A>G on the coding strand, the complement: PEX2 is on the minus strand). VCF-style: chr8-76983713-T-C. GRCh37 (hg19) VCF-style: chr8-77895949-T-C.
Other names: c.466A>G (NM_000318.2); c.466A>G, p.Ile156Val (NM_001079867.2, NM_001172086.2, NM_001172087.2); short protein forms I156V.
Identifiers: ClinVar variation 1025275 (VCV001025275.7), dbSNP rs148972539, ClinGen allele CA4788703.
Genomic context (GRCh38, chr8:76,983,713, plus strand): 5'-CAGAATGAATACCTAGGAGACGTTCTGTCAAAGTTGCAAACTTTCCCCTCTGAAGGAAAA[T>C]CAAAAAATTAATCAGCCCACCTAATTTCAAAAGTCCAATCACAAAATTCACACACTGCTT-3'
Protein context (NP_000309.2, residues 146-166): LKLGGLINFL[Ile156Val]FLQRGKFATL

ClinVar aggregate classification (germline): Uncertain significance. Review status: criteria provided, multiple submitters, no conflicts (2 of 4 stars). 3 submissions from 3 submitters: Uncertain significance (2). 1 of the submissions does not count toward it. Last evaluated 2025-08-31.

Conditions:
Inborn genetic diseases. Identifiers: MedGen C0950123, MeSH D030342.
Zellweger spectrum disorders (ZS). Also called: Zellweger syndrome; Zellweger Spectrum Disorder (ZSD); Zellweger Spectrum Disorder; Zellweger Spectrum. Identifiers: Orphanet 912, MedGen C0043459, MONDO:0019609.
Peroxisome biogenesis disorder 5A (Zellweger) (PBD5A). Identifiers: Orphanet 912, MedGen C3553940, MONDO:0013932, OMIM 614866.

Allele frequency attached by ClinVar (database versions not stated): gnomAD 0.00001; ExAC 0.00002; gnomAD exomes 0.00002 and 0.00004; TOPMed 0.00003; ESP Exome Variant Server 0.00008.
gnomAD v4.1: 68 of 1,613,826 alleles (0.0042%); highest among the groups gnomAD compares: Middle Eastern, 0.016%; no homozygotes.

Submissions (3):

Ambry Genetics
Classification: Uncertain significance for Inborn genetic diseases. Last evaluated: 2025-08-31. Review status: criteria provided, single submitter. Criteria: Ambry Variant Classification Scheme 2023. Collection method: clinical testing. Allele origin: germline.

Labcorp Genetics (formerly Invitae), Labcorp
Classification: Uncertain significance for Peroxisome biogenesis disorder 5A (Zellweger). Last evaluated: 2022-02-03. Review status: criteria provided, single submitter. Criteria: Invitae Variant Classification Sherloc (09022015). Collection method: clinical testing. Allele origin: germline.
Comment: This sequence change replaces isoleucine, which is neutral and non-polar, with valine, which is neutral and non-polar, at codon 156 of the PEX2 protein (p.Ile156Val). This variant is present in population databases (rs148972539, gnomAD 0.004%). This variant has not been reported in the literature in individuals affected with PEX2-related conditions. ClinVar contains an entry for this variant (Variation ID: 1025275). Algorithms developed to predict the effect of missense changes on protein structure and function output the following: SIFT: "Tolerated"; PolyPhen-2: "Benign"; Align-GVGD: "Class C0". The valine amino acid residue is found in multiple mammalian species, which suggests that this missense change does not adversely affect protein function. In summary, the available evidence is currently insufficient to determine the role of this variant in disease. Therefore, it has been classified as a Variant of Uncertain Significance.

Natera, Inc.
Classification: Uncertain significance for Zellweger syndrome. Last evaluated: 2020-04-14. Review status: no assertion criteria provided. Collection method: clinical testing. Allele origin: germline. Not counted in ClinVar's aggregate classification.